The following is an entry in ClinVar:

NM_000143.4(FH):c.739-9T>C

Gene: FH (fumarate hydratase; minus strand). Cytogenetic location: 1q43.
Variant type: single nucleotide variant.
Coding change: c.739-9T>C on transcript NM_000143.4 (MANE Select); 9 bases into the intron before coding-DNA position 739, T replaced by C.
Molecular consequence: intron variant.
Genome position (GRCh38, 1-based): chr1:241,506,177, A>G on the plus strand (T>C on the coding strand, the complement: FH is on the minus strand). VCF-style: chr1-241506177-A-G. GRCh37 (hg19) VCF-style: chr1-241669477-A-G.
Identifiers: ClinVar variation 1132711 (VCV001132711.10), dbSNP rs779074287, ClinGen allele CA1478617.

ClinVar aggregate classification (germline): Likely benign. Review status: criteria provided, multiple submitters, no conflicts (2 of 4 stars). 2 submissions from 2 submitters: Likely benign (2). Last evaluated 2024-10-18.

Conditions:
Hereditary leiomyomatosis and renal cell cancer. Also called: MULTIPLE CUTANEOUS AND UTERINE LEIOMYOMATA 1, WITH OR WITHOUT RENAL CELL CARCINOMA; LEIOMYOMA, MULTIPLE CUTANEOUS; Familial leiomyomatosis; FH tumor predisposition syndrome; Reed syndrome; Multiple cutaneous and uterine leiomyomatosis. Identifiers: Orphanet 523, MedGen C1708350, MONDO:0007888, OMIM 150800, HP:0007437. Disease mechanism: loss of function.

Allele frequency attached by ClinVar (database versions not stated): gnomAD exomes below 0.00001; TOPMed below 0.00001; ExAC 0.00001.
gnomAD v4.1: 1 of 1,603,908 alleles (0.000062%); highest among the groups gnomAD compares: Admixed American, 0.0017%; no homozygotes.

Submissions (2):

Myriad Genetics, Inc.
Classification: Likely benign for Hereditary leiomyomatosis and renal cell cancer. Last evaluated: 2024-10-18. Review status: criteria provided, single submitter. Criteria: Myriad Autosomal Dominant, Autosomal Recessive and X-Linked Classification Criteria (2023). Collection method: clinical testing. Allele origin: unknown.
Comment: This variant is considered likely benign. This variant is intronic and is not expected to impact mRNA splicing.

Labcorp Genetics (formerly Invitae), Labcorp
Classification: Likely benign. Last evaluated: 2023-03-04. Review status: criteria provided, single submitter. Criteria: Invitae Variant Classification Sherloc (09022015). Collection method: clinical testing. Allele origin: germline.